The following is an entry in ClinVar:

ClinVar aggregate classification (germline): Uncertain significance (1 of 4 stars; one submission).

Conditions:
Vitamin B2 deficiency. Identifiers: MedGen C0035528.

Submission:

Labcorp Genetics (formerly Invitae), Labcorp
Classification: Uncertain significance for Vitamin B2 deficiency. Last evaluated: 2022-11-08. Review status: criteria provided, single submitter. Criteria: Invitae Variant Classification Sherloc (09022015). Collection method: clinical testing. Allele origin: germline.
Comment: This sequence change replaces alanine, which is neutral and non-polar, with valine, which is neutral and non-polar, at codon 103 of the SLC52A1 protein (p.Ala103Val). This variant is not present in population databases (gnomAD no frequency). This variant has not been reported in the literature in individuals affected with SLC52A1-related conditions. ClinVar contains an entry for this variant (Variation ID: 1389353). Advanced modeling of protein sequence and biophysical properties (such as structural, functional, and spatial information, amino acid conservation, physicochemical variation, residue mobility, and thermodynamic stability) performed at Invitae indicates that this missense variant is not expected to disrupt SLC52A1 protein function. In summary, the available evidence is currently insufficient to determine the role of this variant in disease. Therefore, it has been classified as a Variant of Uncertain Significance.

NM_017986.4(SLC52A1):c.308C>T (p.Ala103Val)

Gene: SLC52A1 (solute carrier family 52 member 1; minus strand). Cytogenetic location: 17p13.2.
Variant type: single nucleotide variant.
Coding change: c.308C>T on transcript NM_017986.4 (MANE Select); coding-DNA position 308, C replaced by T.
Protein change: p.Ala103Val; replaces alanine 103 with valine.
Molecular consequence: missense variant.
Genome position (GRCh38, 1-based): chr17:5,034,181, G>A on the plus strand (C>T on the coding strand, the complement: SLC52A1 is on the minus strand). VCF-style: chr17-5034181-G-A. GRCh37 (hg19) VCF-style: chr17-4937476-G-A.
Other names: c.308C>T, p.Ala103Val (NM_001104577.2); short protein forms A103V.
Identifiers: ClinVar variation 1389353 (VCV001389353.8), dbSNP rs2143433666, ClinGen allele CA397332021.